The following is an entry in ClinVar:

ClinVar aggregate classification (germline): Pathogenic/Likely pathogenic. Review status: criteria provided, multiple submitters, no conflicts (2 of 4 stars). 2 submissions from 2 submitters: Pathogenic (1); Likely pathogenic (1). Last evaluated 2023-01-09.

Conditions:
Bethlem myopathy 1A. Also called: Bethlem Muscular Dystrophy; Bethlem myopathy 1; MYOPATHY, BENIGN CONGENITAL, WITH CONTRACTURES. Identifiers: Orphanet 610, MedGen CN029274, MONDO:0024530, OMIM 158810.

Submissions (2):

Labcorp Genetics (formerly Invitae), Labcorp
Classification: Pathogenic for Bethlem myopathy 1A. Last evaluated: 2023-01-09. Review status: criteria provided, single submitter. Criteria: Invitae Variant Classification Sherloc (09022015). Collection method: clinical testing. Allele origin: germline.
Comment: For these reasons, this variant has been classified as Pathogenic. This variant disrupts the p.Gly289 amino acid residue in COL6A2. Other variant(s) that disrupt this residue have been observed in individuals with COL6A2-related conditions (PMID: 20976770, 34167565), which suggests that this may be a clinically significant amino acid residue. This variant disrupts the triple helix domain of COL6A2. Glycine residues within the Gly-Xaa-Yaa repeats of the triple helix domain are required for the structure and stability of fibrillar collagens (PMID: 7695699, 8218237, 19344236). In COL6A2, missense variants at these glycine residues are significantly enriched in individuals with autosomal dominant disease (PMID: 15689448, 24038877) compared to the general population (ExAC). Advanced modeling of protein sequence and biophysical properties (such as structural, functional, and spatial information, amino acid conservation, physicochemical variation, residue mobility, and thermodynamic stability) performed at Invitae indicates that this missense variant is expected to disrupt COL6A2 protein function. ClinVar contains an entry for this variant (Variation ID: 597472). This variant has not been reported in the literature in individuals affected with COL6A2-related conditions. This variant is not present in population databases (gnomAD no frequency). This sequence change replaces glycine, which is neutral and non-polar, with valine, which is neutral and non-polar, at codon 289 of the COL6A2 protein (p.Gly289Val).

Eurofins Ntd Llc (ga)
Classification: Likely pathogenic. Last evaluated: 2018-06-13. Review status: criteria provided, single submitter. Criteria: EGL ClinVar v180209 classification definitions. Collection method: clinical testing. Allele origin: germline. Observed: 1 variant allele, 1 heterozygote.

Literature cited by the submitters: PubMed 20976770 (cited by Labcorp Genetics (formerly Invitae), Labcorp); PubMed 34167565 (cited by Labcorp Genetics (formerly Invitae), Labcorp); PubMed 7695699 (cited by Labcorp Genetics (formerly Invitae), Labcorp); PubMed 8218237 (cited by Labcorp Genetics (formerly Invitae), Labcorp); PubMed 19344236 (cited by Labcorp Genetics (formerly Invitae), Labcorp); PubMed 15689448 (cited by Labcorp Genetics (formerly Invitae), Labcorp); PubMed 24038877 (cited by Labcorp Genetics (formerly Invitae), Labcorp).

NM_001849.4(COL6A2):c.866G>T (p.Gly289Val)

Gene: COL6A2 (collagen type VI alpha 2 chain; plus strand). Cytogenetic location: 21q22.3.
Variant type: single nucleotide variant.
Coding change: c.866G>T on transcript NM_001849.4 (MANE Select); coding-DNA position 866, G replaced by T.
Protein change: p.Gly289Val; replaces glycine 289 with valine.
Molecular consequence: missense variant.
Genome position (GRCh38, 1-based): chr21:46,116,019, G>T. VCF-style: chr21-46116019-G-T. GRCh37 (hg19) VCF-style: chr21-47535933-G-T.
Other names: c.866G>T, p.Gly289Val (NM_058174.3, NM_058175.3); short protein forms G289V.
Identifiers: ClinVar variation 597472 (VCV000597472.9), dbSNP rs886043554, ClinGen allele CA410525130.